The following is an entry in ClinVar:

ClinVar aggregate classification (germline): Uncertain significance (1 of 4 stars; one submission).

Conditions:
Leukocyte adhesion deficiency 3. Also called: Leukocyte adhesion deficiency, type III; INTEGRIN ACTIVATION DEFICIENCY DISEASE; LEUKOCYTE ADHESION DEFICIENCY 1 VARIANT. Identifiers: Orphanet 2968, Orphanet 99844, MedGen C2748536, MONDO:0013016, OMIM 612840.

Allele frequency attached by ClinVar (database versions not stated): gnomAD exomes 0.00001.
gnomAD v4.1: 23 of 1,585,430 alleles (0.0015%); highest among the groups gnomAD compares: South Asian, 0.013%; no homozygotes.

Submission:

Labcorp Genetics (formerly Invitae), Labcorp
Classification: Uncertain significance for Leukocyte adhesion deficiency 3. Last evaluated: 2021-06-04. Review status: criteria provided, single submitter. Criteria: Invitae Variant Classification Sherloc (09022015). Collection method: clinical testing. Allele origin: germline.
Comment: In summary, the available evidence is currently insufficient to determine the role of this variant in disease. Therefore, it has been classified as a Variant of Uncertain Significance. Algorithms developed to predict the effect of missense changes on protein structure and function are either unavailable or do not agree on the potential impact of this missense change (SIFT: "Deleterious"; PolyPhen-2: "Possibly Damaging"; Align-GVGD: "Class C0"). This variant has not been reported in the literature in individuals with FERMT3-related conditions. The frequency data for this variant in the population databases is considered unreliable, as metrics indicate poor data quality at this position in the ExAC database. This sequence change replaces arginine with tryptophan at codon 143 of the FERMT3 protein (p.Arg143Trp). The arginine residue is moderately conserved and there is a moderate physicochemical difference between arginine and tryptophan.

NM_031471.6(FERMT3):c.427C>T (p.Arg143Trp)

Gene: FERMT3 (FERM domain containing kindlin 3; plus strand). Cytogenetic location: 11q13.1.
Variant type: single nucleotide variant.
Coding change: c.427C>T on transcript NM_031471.6 (MANE Select); coding-DNA position 427, C replaced by T.
Protein change: p.Arg143Trp; replaces arginine 143 with tryptophan.
Molecular consequence: missense variant. On other transcripts: 5 prime UTR variant (2).
Genome position (GRCh38, 1-based): chr11:64,211,084, C>T. VCF-style: chr11-64211084-C-T. GRCh37 (hg19) VCF-style: chr11-63978556-C-T.
Other names: c.427C>T, p.Arg143Trp (NM_001382361.1, NM_001382362.1, NM_001382448.1 and 1 more transcripts); c.-114C>T (NM_001382363.1, NM_001382364.1); short protein forms R143W.
Identifiers: ClinVar variation 1055572 (VCV001055572.7), dbSNP rs750690989, ClinGen allele CA6068751.
Genomic context (GRCh38, chr11:64,211,084, plus strand): 5'-TCCCCGCTGAGACCCTAGCTCCCCTCAGGCATCCGGCACCCCGAGGAGCTGTCCCTGCTC[C>T]GGGCTCCTGAGAAGAAGGAGAAGAAGAAGAAAGAGAAGGAGCCAGAGGAAGAGCTCTATG-3'
Protein context (NP_113659.3, residues 133-153): IRHPEELSLL[Arg143Trp]APEKKEKKKK